The following is an entry in ClinVar:

ClinVar aggregate classification (germline): Benign/Likely benign. Review status: criteria provided, multiple submitters, no conflicts (2 of 4 stars). 8 submissions from 8 submitters: Benign (2); Likely benign (3). 3 of the submissions do not count toward it. Last evaluated 2026-02-04.

Allele frequency attached by ClinVar (database versions not stated): 1000 Genomes Project 0.02256; 1000 Genomes Project 30x 0.02405; TOPMed 0.05222; gnomAD 0.05426; ESP Exome Variant Server 0.06096.
gnomAD v4.1: 113,712 of 1,614,156 alleles (7%); highest among the groups gnomAD compares: Non-Finnish European, 8.5%; 4,742 homozygotes.

Submissions (8):

Labcorp Genetics (formerly Invitae), Labcorp
Classification: Benign. Last evaluated: 2026-02-04. Review status: criteria provided, single submitter. Criteria: Invitae Variant Classification Sherloc (09022015). Collection method: clinical testing. Allele origin: germline.

Blueprint Genetics
Classification: Likely benign. Last evaluated: 2024-11-27. Review status: criteria provided, single submitter. Criteria: ACMG Guidelines, 2015. Collection method: clinical testing. Allele origin: germline.

Women's Health and Genetics/Laboratory Corporation of America, LabCorp
Classification: Likely benign. Last evaluated: 2020-08-24. Review status: criteria provided, single submitter. Criteria: LabCorp Variant Classification Summary - May 2015. Collection method: clinical testing. Allele origin: germline.

GeneDx
Classification: Benign. Last evaluated: 2016-10-04. Review status: criteria provided, single submitter. Criteria: GeneDx Variant Classification (06012015). Collection method: clinical testing. Allele origin: germline. Affected: yes.
Comment: This variant is considered likely benign or benign based on one or more of the following criteria: it is a conservative change, it occurs at a poorly conserved position in the protein, it is predicted to be benign by multiple in silico algorithms, and/or has population frequency not consistent with disease.

Breakthrough Genomics
Classification: Likely benign. Review status: criteria provided, single submitter. Criteria: ACMG Guidelines, 2015. Collection method: not provided. Allele origin: germline. Inheritance: Autosomal dominant inheritance. Affected: yes.

Clinical Genetics, Academic Medical Center
Classification: Benign. Review status: no assertion criteria provided. Collection method: clinical testing. Allele origin: germline. Affected: yes. Study: VKGL Data-share Consensus. Not counted in ClinVar's aggregate classification.

Diagnostic Laboratory, Department of Genetics, University Medical Center Groningen
Classification: Benign. Review status: no assertion criteria provided. Collection method: clinical testing. Allele origin: germline. Affected: yes. Study: VKGL Data-share Consensus. Not counted in ClinVar's aggregate classification.

Joint Genome Diagnostic Labs from Nijmegen and Maastricht, Radboudumc and MUMC+
Classification: Benign. Review status: no assertion criteria provided. Collection method: clinical testing. Allele origin: germline. Affected: yes. Study: VKGL Data-share Consensus. Not counted in ClinVar's aggregate classification.

NM_144670.6(A2ML1):c.3569C>T (p.Ala1190Val)

Gene: A2ML1 (alpha-2-macroglobulin like 1; plus strand). Cytogenetic location: 12p13.31.
Variant type: single nucleotide variant.
Coding change: c.3569C>T on transcript NM_144670.6 (MANE Select); coding-DNA position 3569, C replaced by T.
Protein change: p.Ala1190Val; replaces alanine 1190 with valine.
Molecular consequence: missense variant.
Genome position (GRCh38, 1-based): chr12:8,863,860, C>T. VCF-style: chr12-8863860-C-T. GRCh37 (hg19) VCF-style: chr12-9016456-C-T.
Other names: c.2096C>T, p.Ala699Val (NM_001282424.3); short protein forms A1190V, A699V.
Identifiers: ClinVar variation 384682 (VCV000384682.20), dbSNP rs73040625, ClinGen allele CA6436423.